The following is an entry in ClinVar:

NM_012452.3(TNFRSF13B):c.260T>A (p.Ile87Asn)

Gene: TNFRSF13B (TNF receptor superfamily member 13B; minus strand). Cytogenetic location: 17p11.2.
Variant type: single nucleotide variant.
Coding change: c.260T>A on transcript NM_012452.3 (MANE Select); coding-DNA position 260, T replaced by A.
Protein change: p.Ile87Asn; replaces isoleucine 87 with asparagine.
Molecular consequence: missense variant.
Genome position (GRCh38, 1-based): chr17:16,948,923, A>T on the plus strand (T>A on the coding strand, the complement: TNFRSF13B is on the minus strand). VCF-style: chr17-16948923-A-T. GRCh37 (hg19) VCF-style: chr17-16852237-A-T.
Other names: short protein forms I87N.
Identifiers: ClinVar variation 618436 (VCV000618436.70), dbSNP rs72553877, ClinGen allele CA8414057.

ClinVar aggregate classification (germline): Conflicting classifications of pathogenicity. Review status: criteria provided, conflicting classifications (1 of 4 stars). 16 submissions from 16 submitters: Pathogenic (4); Likely pathogenic (8); Uncertain significance (3). 1 of the submissions does not count toward it. Last evaluated 2026-10-20.

Conditions:
Immunodeficiency, common variable, 2 (CVID2). Also called: HYPOGAMMAGLOBULINEMIA DUE TO TACI DEFICIENCY; ANTIBODY DEFICIENCY DUE TO TACI DEFECT. Identifiers: Orphanet 1572, MedGen C3150354, MONDO:0009413, OMIM 240500.
IgAD1. Also called: IMMUNOGLOBULIN A, SELECTIVE DEFICIENCY OF; IgA, SELECTIVE DEFICIENCY OF; IMMUNOGLOBULIN A DEFICIENCY 1; GAMMA-A-GLOBULIN, SELECTIVE DEFICIENCY OF. Identifiers: MedGen C2931161, MONDO:0007644, OMIM 137100.
Immunoglobulin A deficiency 2 (IGAD2). Identifiers: MedGen C1836032, MONDO:0012291, OMIM 609529.
TNFRSF13B-related disorder. Also called: TNFRSF13B-related condition.
Common variable immunodeficiency (CVID). Also called: Common variable agammaglobulinemia; Common variable hypogamma-globulinemia. Identifiers: Orphanet 1572, MedGen C0009447, MONDO:0015517.

Allele frequency attached by ClinVar (database versions not stated): 1000 Genomes Project 30x 0.00016; 1000 Genomes Project 0.00020; gnomAD 0.00034 and 0.00035; TOPMed 0.00042; ExAC 0.00046; ESP Exome Variant Server 0.00046; gnomAD exomes 0.00046.
gnomAD v4.1: 771 of 1,614,204 alleles (0.048%); highest among the groups gnomAD compares: Non-Finnish European, 0.058%; no homozygotes.

Submissions 1 to 8 of 16:

GeneDx
Classification: Pathogenic. Last evaluated: 2026-10-20. Review status: criteria provided, single submitter. Criteria: GeneDx Variant Classification Process June 2021. Collection method: clinical testing. Allele origin: germline.
Comment: Reported as a single heterozygous variant in patients with common variable immune deficiency or selective IgA deficiency in the published literature, as well as in unaffected individuals (PMID: 22697072, 22930256, 27123465); Published functional studies demonstrate no effect on cell surface expression, but a significant reduction in signaling (PMID: 21419480); In silico analysis supports that this missense variant has a deleterious effect on protein structure/function; This variant is associated with the following publications: (PMID: 21041728, 34975878, 23956760, 17697196, 18981294, 40703516, 37840117, 39843441, 21850030, 22884984, 22627058, 19494827, 21458042, 19629655, 28554560, 22930256, 27123465, 30269248, 30290665, 31681265, 34426522, 31589614, 35686370, 34573280, 32581362, 34441032, 37678716, 37652172, 22697072, 21419480, 38282561, 39006921, 39726076, 39052144, 33838017, 39873967, 41608052, 40959164, 40633199)

PreventionGenetics, part of Exact Sciences
Classification: Likely pathogenic for TNFRSF13B-related condition. Last evaluated: 2026-07-28. Review status: criteria provided, single submitter. Criteria: ACMG Guidelines, 2015. Collection method: clinical testing. Allele origin: germline.
Comment: The TNFRSF13B c.260T>A variant is predicted to result in the amino acid substitution p.Ile87Asn. This variant has been reported in individuals with common variable immunodeficiency (CVID) and asthma (Salzer et al 2009. PubMed ID: 18981294; Fried et al 2011. PubMed ID: 21419480; Janzi et al 2012. PubMed ID: 21850030). Functional studies indicate this variant impairs TNFRSF13B binding to a proliferation inducing ligand (APRIL) and B-cell activating factor (BAFF), which are interactions that induce class switch recombination (Salzer et al 2009. PubMed ID: 18981294). Incomplete penetrance has been observed in patients with pathogenic TNFRSF13B variants (Salzer et al 2009. PubMed ID: 18981294). In the heterozygous state, this has been proposed to be a risk allele (see for example: Rojas-Restrepo et al. 2021. PubMed ID: 34975878). This variant is reported in 0.070% of alleles in individuals of European (Non-Finnish) descent in gnomAD. This variant is interpreted as likely pathogenic.

CeGaT Center for Human Genetics Tuebingen
Classification: Uncertain significance. Last evaluated: 2026-02-01. Review status: criteria provided, single submitter. Criteria: CeGaT Center For Human Genetics Tuebingen Variant Classification Criteria Version 2. Collection method: clinical testing. Allele origin: germline. Affected: yes. Observed: 4 variant alleles.
Comment: TNFRSF13B: PS4:Moderate, PP1, PS3:Supporting

Labcorp Genetics (formerly Invitae), Labcorp
Classification: Pathogenic for Immunodeficiency, common variable, 2. Last evaluated: 2026-01-06. Review status: criteria provided, single submitter. Criteria: Invitae Variant Classification Sherloc (09022015). Collection method: clinical testing. Allele origin: germline.
Comment: This sequence change replaces isoleucine, which is neutral and non-polar, with asparagine, which is neutral and polar, at codon 87 of the TNFRSF13B protein (p.Ile87Asn). This variant is present in population databases (rs72553877, gnomAD 0.07%). This missense change has been observed in individual(s) with common variable immunodeficiency (CVID) (PMID: 22627058, 22697072, 22884984, 27123465, 30290665, 31681265). In at least one individual the data is consistent with being in trans (on the opposite chromosome) from a pathogenic variant. It has also been observed to segregate with disease in related individuals. ClinVar contains an entry for this variant (Variation ID: 618436). Invitae Evidence Modeling of protein sequence and biophysical properties (such as structural, functional, and spatial information, amino acid conservation, physicochemical variation, residue mobility, and thermodynamic stability) has been performed for this missense variant. However, the output from this modeling did not meet the statistical confidence thresholds required to predict the impact of this variant on TNFRSF13B protein function. Experimental studies have shown that this missense change affects TNFRSF13B function (PMID: 21419480, 21458042). For these reasons, this variant has been classified as Pathogenic.

Variantyx, Inc.
Classification: Likely pathogenic for Immunodeficiency, common variable, 2. Last evaluated: 2025-11-22. Review status: criteria provided, single submitter. Criteria: Variantyx Assertion Criteria 2022. Collection method: clinical testing. Allele origin: germline. Inheritance: Autosomal dominant inheritance. Affected: no.
Comment: This is a nonsynonymous variant in the TNFRSF13B gene (OMIM: 604907). Pathogenic variants in this gene have been associated with autosomal recessive common variable immunodeficiency 2. This variant has been identified in the compound heterozygous state in at least 2 individuals reported in the published literature (PMID: 27123465) (PM3), and it has been observed to segregate with disease in at least two individuals from two families (PMID: 18981294, 22627058) (PP1). Computational algorithms produce conflicting evidence regarding the predicted functional impact of this variant (REVEL score: 0.623), but functional studies have shown that this variant alters TNFRSF13B protein function (PMID: 21419480, 21458042) (PS3). This variant has a 0.0580% maximum allele frequency in non-founder control populations (PM2). Based on the current evidence, this variant is classified as likely pathogenic for autosomal recessive common variable immunodeficiency 2.

Women's Health and Genetics/Laboratory Corporation of America, LabCorp
Classification: Pathogenic for Common variable immunodeficiency. Last evaluated: 2025-08-12. Review status: criteria provided, single submitter. Criteria: LabCorp Variant Classification Summary - May 2015. Collection method: clinical testing. Allele origin: germline.
Comment: Variant summary: TNFRSF13B c.260T>A (p.Ile87Asn) results in a non-conservative amino acid change in the encoded protein sequence. Algorithms developed to predict the effect of missense changes on protein structure and function all suggest that this variant is likely to be disruptive. The variant allele was found at a frequency of 0.00046 in 254886 control chromosomes (gnomAD). This frequency is not significantly higher than estimated for a pathogenic variant in TNFRSF13B causing Common Variable Immunodeficiency (0.00046 vs 0.0024), allowing no conclusion about variant significance. c.260T>A has been observed in multiple individuals affected with Common Variable Immunodeficiency (e.g., Bacchelli_2007, Pan-Hammarstrom_2008, PanSalzer_2009, Lougaris_2012, Seijas_2012, Rojas-Restrepo_2021, Fioredda_2022, Peng_2023, Salih_2023). These data indicate that the variant is very likely to be associated with disease. At least one publication reports experimental evidence evaluating an impact on protein function and showed that this variant resulted in decreased activity (Salzer_2009, Fried_2011, Lougaris_2012). The following publications have been ascertained in the context of this evaluation (PMID: 17697196, 35686370, 21419480, 21850030, 22627058, 18200502, 37678716, 34975878, 37652172, 18981294, 22697072). ClinVar contains an entry for this variant (Variation ID: 618436). Based on the evidence outlined above, the variant was classified as pathogenic.

Dasa
Classification: Pathogenic. Last evaluated: 2024-11-28. Review status: criteria provided, single submitter. Criteria: DASA Assertion Criteria. Collection method: clinical testing. Allele origin: germline.
Comment: NM_012452.3(TNFRSF13B):c.260T>A (p.Ile87Asn) is a missense variant that results in the substitution of isoleucine with asparagine. Segregation evidence has been reported in affected families. This variant has been observed in affected individuals with related phenotype in a genotype context consistent with recessive disease (PMID: 21419480; PMID: 21458042; PMID: 22627058; PMID: 22697072; PMID: 22884984). Functional evidence supports a deleterious effect on the gene or gene product (PMID: 21419480; PMID: 21458042; PMID: 22627058; PMID: 22697072; PMID: 22884984). This variant has been recurrently observed in individuals with related phenotype (PMID: 21419480; PMID: 21458042; PMID: 22627058; PMID: 22697072; PMID: 22884984). Based on the available data, this variant is classified as pathogenic.

Blueprint Genetics
Classification: Uncertain significance. Last evaluated: 2024-11-19. Review status: criteria provided, single submitter. Criteria: ACMG Guidelines, 2015. Collection method: clinical testing. Allele origin: germline.